The following is an entry in ClinVar:

ClinVar aggregate classification (germline): Benign. Review status: criteria provided, multiple submitters, no conflicts (2 of 4 stars). 2 submissions from 2 submitters: Benign (2). Last evaluated 2018-06-14.

Allele frequency attached by ClinVar (database versions not stated): 1000 Genomes Project 30x 0.37680; 1000 Genomes Project 0.38019; TOPMed 0.42599; gnomAD 0.43985 and 0.44009; gnomAD exomes 0.50110.
gnomAD v4.1: 285,124 of 587,398 alleles (49%); highest among the groups gnomAD compares: Admixed American, 60%; 73,609 homozygotes.

Submissions (2):

GeneDx
Classification: Benign. Last evaluated: 2018-06-14. Review status: criteria provided, single submitter. Criteria: GeneDx Variant Classification (06012015). Collection method: clinical testing. Allele origin: germline. Affected: yes.
Comment: This variant is considered likely benign or benign based on one or more of the following criteria: it is a conservative change, it occurs at a poorly conserved position in the protein, it is predicted to be benign by multiple in silico algorithms, and/or has population frequency not consistent with disease.

Breakthrough Genomics
Classification: Benign. Review status: criteria provided, single submitter. Criteria: ACMG Guidelines, 2015. Collection method: not provided. Allele origin: germline. Inheritance: Autosomal recessive inheritance. Affected: yes.

NM_001849.4(COL6A2):c.-27-149C>T

Gene: COL6A2 (collagen type VI alpha 2 chain; plus strand). Cytogenetic location: 21q22.3.
Variant type: single nucleotide variant.
Coding change: c.-27-149C>T on transcript NM_001849.4 (MANE Select); 149 bases into the intron before 27 bases upstream of the start codon, C replaced by T.
Molecular consequence: intron variant.
Genome position (GRCh38, 1-based): chr21:46,111,301, C>T. VCF-style: chr21-46111301-C-T. GRCh37 (hg19) VCF-style: chr21-47531215-C-T.
Other names: c.-27-149C>T (NM_058175.3, NM_058174.3).
Identifiers: ClinVar variation 679204 (VCV000679204.2), dbSNP rs13050828, ClinGen allele CA14865395.
Genomic context (GRCh38, chr21:46,111,301, plus strand): 5'-CTGTGACCCCACCCAGGGTGGGGCAAGAGGGCGCAAGCCCCCCAGTCCAGATGCTGGTGA[C>T]GGTGTGTGCTGGGCGCAGACCCCGCTTCCTTGAAGACTGAGGGCAGTGCCCCCAATCCCG-3'